The following is an entry in ClinVar:

NM_003074.4(SMARCC1):c.2215A>G (p.Lys739Glu)

Gene: SMARCC1 (SWI/SNF related BAF chromatin remodeling complex subunit C1; minus strand). Cytogenetic location: 3p21.31.
Variant type: single nucleotide variant.
Coding change: c.2215A>G on transcript NM_003074.4 (MANE Select); coding-DNA position 2215, A replaced by G.
Protein change: p.Lys739Glu; replaces lysine 739 with glutamic acid.
Molecular consequence: missense variant.
Genome position (GRCh38, 1-based): chr3:47,661,399, T>C on the plus strand (A>G on the coding strand, the complement: SMARCC1 is on the minus strand). VCF-style: chr3-47661399-T-C. GRCh37 (hg19) VCF-style: chr3-47702889-T-C.
Other names: short protein forms K739E.
Identifiers: ClinVar variation 5017449 (VCV005017449.1).

ClinVar aggregate classification (germline): Uncertain significance (1 of 4 stars; one submission).

gnomAD v4.1: 1 of 1,613,766 alleles (0.000062%); highest among the groups gnomAD compares: Non-Finnish European, 0.000085%; no homozygotes.

Submission:

GeneDx
Classification: Uncertain significance. Last evaluated: 2026-03-26. Review status: criteria provided, single submitter. Criteria: GeneDx Variant Classification Process June 2021. Collection method: clinical testing. Allele origin: germline.
Comment: Not observed at significant frequency in large population cohorts (gnomAD); In silico analysis supports that this missense variant has a deleterious effect on protein structure/function; Has not been previously published as pathogenic or benign to our knowledge